The following is an entry in ClinVar:

ClinVar aggregate classification (germline): Likely benign (0 of 4 stars; one submission).

Conditions:
NCOA1-related disorder. Also called: NCOA1-related condition.

Allele frequency attached by ClinVar (database versions not stated): gnomAD exomes 0.00001; TOPMed 0.00001.

Submission:

PreventionGenetics, part of Exact Sciences
Classification: Likely benign for NCOA1-related condition. Last evaluated: 2021-04-13. Review status: no assertion criteria provided. Collection method: clinical testing. Allele origin: germline.
Comment: This variant is classified as likely benign based on ACMG/AMP sequence variant interpretation guidelines (Richards et al. 2015 PMID: 25741868, with internal and published modifications).

NM_003743.5(NCOA1):c.2419-8A>G

Gene: NCOA1 (nuclear receptor coactivator 1; plus strand). Cytogenetic location: 2p23.3.
Variant type: single nucleotide variant.
Coding change: c.2419-8A>G on transcript NM_003743.5 (MANE Select); 8 bases into the intron before coding-DNA position 2419, A replaced by G.
Molecular consequence: intron variant.
Genome position (GRCh38, 1-based): chr2:24,710,923, A>G. VCF-style: chr2-24710923-A-G. GRCh37 (hg19) VCF-style: chr2-24933792-A-G.
Other names: c.2419-8A>G (NM_001362950.1, NM_147223.3, NM_001362955.1 and 3 more transcripts).
Identifiers: ClinVar variation 3059890 (VCV003059890.2), dbSNP rs1212278592, ClinGen allele CA531351654.